The following is an entry in ClinVar:

ClinVar aggregate classification (germline): Uncertain significance. Review status: criteria provided, multiple submitters, no conflicts (2 of 4 stars). 4 submissions from 4 submitters: Uncertain significance (4). Last evaluated 2025-05-06.

Conditions:
Charcot-Marie-Tooth disease type 2. Also called: Charcot-Marie-Tooth type 2. Identifiers: Orphanet 64746, MedGen C0270914, MONDO:0018993.

Allele frequency attached by ClinVar (database versions not stated): ExAC 0.00001; TOPMed 0.00001; gnomAD 0.00002; gnomAD exomes 0.00002; ESP Exome Variant Server 0.00008.
gnomAD v4.1: 29 of 1,613,984 alleles (0.0018%); highest among the groups gnomAD compares: Non-Finnish European, 0.0023%; no homozygotes.

Submissions (4):

Labcorp Genetics (formerly Invitae), Labcorp
Classification: Uncertain significance for Charcot-Marie-Tooth disease type 2. Last evaluated: 2025-05-06. Review status: criteria provided, single submitter. Criteria: Invitae Variant Classification Sherloc (09022015). Collection method: clinical testing. Allele origin: germline.
Comment: This sequence change replaces glutamic acid, which is acidic and polar, with lysine, which is basic and polar, at codon 823 of the KIF1B protein (p.Glu823Lys). This variant is not present in population databases (gnomAD no frequency). This variant has not been reported in the literature in individuals affected with KIF1B-related conditions. ClinVar contains an entry for this variant (Variation ID: 1051384). Invitae Evidence Modeling of protein sequence and biophysical properties (such as structural, functional, and spatial information, amino acid conservation, physicochemical variation, residue mobility, and thermodynamic stability) indicates that this missense variant is not expected to disrupt KIF1B protein function with a negative predictive value of 80%. In summary, the available evidence is currently insufficient to determine the role of this variant in disease. Therefore, it has been classified as a Variant of Uncertain Significance.

Dasa
Classification: Uncertain significance. Last evaluated: 2025-03-18. Review status: criteria provided, single submitter. Criteria: DASA Assertion Criteria. Collection method: clinical testing. Allele origin: germline.
Comment: NM_001365951.3(KIF1B):c.2605G>A (p.Glu869Lys) is a missense variant that results in the substitution of glutamic acid with lysine. This variant is rare in population databases. Computational prediction algorithms are consistent with a benign effect. The currently available literature and clinical evidence are not sufficient to establish a definitive association between this variant and the reported condition. Therefore, this variant is classified as a variant of uncertain significance.

Ambry Genetics
Classification: Uncertain significance. Last evaluated: 2023-12-10. Review status: criteria provided, single submitter. Criteria: Ambry Variant Classification Scheme 2023. Collection method: clinical testing. Allele origin: germline.
Comment: The p.E823K variant (also known as c.2467G>A), located in coding exon 23 of the KIF1B gene, results from a G to A substitution at nucleotide position 2467. The glutamic acid at codon 823 is replaced by lysine, an amino acid with similar properties. This amino acid position is not well conserved in available vertebrate species. In addition, this alteration is predicted to be tolerated by in silico analysis. Since supporting evidence is limited at this time, the clinical significance of this alteration remains unclear.

ARUP Laboratories, Molecular Genetics and Genomics, ARUP Laboratories
Classification: Uncertain significance. Last evaluated: 2022-09-15. Review status: criteria provided, single submitter. Criteria: ARUP Molecular Germline Variant Investigation Process 2021. Collection method: clinical testing. Allele origin: germline.
Comment: The KIF1B c.2467G>A; p.Glu823Lys variant (rs370243199), to our knowledge, is not reported in the medical literature but is reported in ClinVar (Variation ID: 1051384). This variant is absent from general population databases (Exome Variant Server, Genome Aggregation Database), indicating it is not a common polymorphism. The glutamate at codon 823 is moderately conserved, and computational analyses are uncertain whether this variant is neutral or deleterious (REVEL: 0.314). Due to limited information, the clinical significance of the p.Glu823Lys variant is uncertain at this time.

NM_001365951.3(KIF1B):c.2605G>A (p.Glu869Lys)

Gene: KIF1B (kinesin family member 1B; plus strand). Cytogenetic location: 1p36.22.
Variant type: single nucleotide variant.
Coding change: c.2605G>A on transcript NM_001365951.3 (MANE Select); coding-DNA position 2605, G replaced by A.
Protein change: p.Glu869Lys; replaces glutamic acid 869 with lysine.
Molecular consequence: missense variant.
Genome position (GRCh38, 1-based): chr1:10,324,825, G>A. VCF-style: chr1-10324825-G-A. GRCh37 (hg19) VCF-style: chr1-10384883-G-A.
Other names: c.2605G>A, p.Glu869Lys (NM_001365952.1); c.2467G>A, p.Glu823Lys (NM_015074.3); short protein forms E823K, E869K.
Identifiers: ClinVar variation 1051384 (VCV001051384.15), dbSNP rs370243199, ClinGen allele CA581566.
Genomic context (GRCh38, chr1:10,324,825, plus strand): 5'-CTGGATTTGATGCGAGAGATGTATGATAGGGCAGGGGAGATGGCCTCCAGTGCCCAAGAC[G>A]AAAGCGAAACCACTGTGACTGGCAGCGATCCCTTCTATGATCGGTTCCACTGGTTCAAAC-3'
Protein context (NP_001352880.1, residues 859-879): AGEMASSAQD[Glu869Lys]SETTVTGSDP